The following is an entry in ClinVar:

ClinVar aggregate classification (germline): Uncertain significance. Review status: criteria provided, multiple submitters, no conflicts (2 of 4 stars). 2 submissions from 2 submitters: Uncertain significance (2). Last evaluated 2022-10-14.

Conditions:
Cortical dysplasia-focal epilepsy syndrome (PTHSL1). Also called: Pitt-Hopkins-like syndrome 1. Identifiers: Orphanet 163681, Orphanet 221150, MedGen C2750246, MONDO:0012400, OMIM 610042.

Allele frequency attached by ClinVar (database versions not stated): gnomAD exomes below 0.00001.
gnomAD v4.1: 4 of 1,613,684 alleles (0.00025%); highest among the groups gnomAD compares: Non-Finnish European, 0.00034%; no homozygotes.

Submissions (2):

Labcorp Genetics (formerly Invitae), Labcorp
Classification: Uncertain significance for Cortical dysplasia-focal epilepsy syndrome. Last evaluated: 2022-10-14. Review status: criteria provided, single submitter. Criteria: Invitae Variant Classification Sherloc (09022015). Collection method: clinical testing. Allele origin: germline.
Comment: This sequence change replaces tyrosine, which is neutral and polar, with cysteine, which is neutral and slightly polar, at codon 372 of the CNTNAP2 protein (p.Tyr372Cys). In summary, the available evidence is currently insufficient to determine the role of this variant in disease. Therefore, it has been classified as a Variant of Uncertain Significance. Algorithms developed to predict the effect of missense changes on protein structure and function (SIFT, PolyPhen-2, Align-GVGD) all suggest that this variant is likely to be tolerated. This variant has not been reported in the literature in individuals affected with CNTNAP2-related conditions. This variant is not present in population databases (gnomAD no frequency).

Blueprint Genetics
Classification: Uncertain significance. Last evaluated: 2022-02-07. Review status: criteria provided, single submitter. Criteria: ACMG Guidelines, 2015. Collection method: clinical testing. Allele origin: germline.

NM_014141.6(CNTNAP2):c.1115A>G (p.Tyr372Cys)

Gene: CNTNAP2 (contactin associated protein 2; plus strand). Cytogenetic location: 7q35.
Variant type: single nucleotide variant.
Coding change: c.1115A>G on transcript NM_014141.6 (MANE Select); coding-DNA position 1115, A replaced by G.
Protein change: p.Tyr372Cys; replaces tyrosine 372 with cysteine.
Molecular consequence: missense variant.
Genome position (GRCh38, 1-based): chr7:147,132,276, A>G. VCF-style: chr7-147132276-A-G. GRCh37 (hg19) VCF-style: chr7-146829368-A-G.
Other names: short protein forms Y372C.
Identifiers: ClinVar variation 2200655 (VCV002200655.5), dbSNP rs1319781006, ClinGen allele CA369924516.
Genomic context (GRCh38, chr7:147,132,276, plus strand): 5'-TCCTCAGAGCCTGTCTTTCTATTTTACAGGGAAATTTGAGCTTTTCTTGTGTGGAACCCT[A>G]TACGGTGCCTGTCTTTTTCAACGCTACAAGTTACCTGGAGGTGCCCGGACGGCTTAACCA-3'
Protein context (NP_054860.1, residues 362-382): GNLSFSCVEP[Tyr372Cys]TVPVFFNATS